The following is an entry in ClinVar:

NM_000135.4(FANCA):c.837C>A (p.Asp279Glu)

Gene: FANCA (FA complementation group A; minus strand). Cytogenetic location: 16q24.3.
Variant type: single nucleotide variant.
Coding change: c.837C>A on transcript NM_000135.4 (MANE Select); coding-DNA position 837, C replaced by A.
Protein change: p.Asp279Glu; replaces aspartic acid 279 with glutamic acid.
Molecular consequence: missense variant.
Genome position (GRCh38, 1-based): chr16:89,799,222, G>T on the plus strand (C>A on the coding strand, the complement: FANCA is on the minus strand). VCF-style: chr16-89799222-G-T. GRCh37 (hg19) VCF-style: chr16-89865630-G-T.
Other names: c.837C>A (NM_000135.2); c.837C>A, p.Asp279Glu (NM_001018112.3, NM_001286167.3); c.741C>A, p.Asp247Glu (NM_001351830.2); short protein forms D247E, D279E.
Identifiers: ClinVar variation 1021351 (VCV001021351.9), dbSNP rs752311383, ClinGen allele CA397473132.

ClinVar aggregate classification (germline): Conflicting classifications of pathogenicity. Review status: criteria provided, conflicting classifications (1 of 4 stars). 2 submissions from 2 submitters: Uncertain significance (1); Likely benign (1). Last evaluated 2025-05-02.

Conditions:
Inborn genetic diseases. Identifiers: MedGen C0950123, MeSH D030342.
Fanconi anemia (FA). Also called: Fanconi's anemia. Identifiers: Orphanet 84, MedGen C0015625, MeSH D005199, MONDO:0019391.

gnomAD v4.1: 3 of 1,613,940 alleles (0.00019%); highest among the groups gnomAD compares: Non-Finnish European, 0.00017%; no homozygotes.

Submissions (2):

Ambry Genetics
Classification: Likely benign for Inborn genetic diseases. Last evaluated: 2025-05-02. Review status: criteria provided, single submitter. Criteria: Ambry Variant Classification Scheme 2023. Collection method: clinical testing. Allele origin: germline.

Labcorp Genetics (formerly Invitae), Labcorp
Classification: Uncertain significance for Fanconi anemia. Last evaluated: 2020-04-06. Review status: criteria provided, single submitter. Criteria: Invitae Variant Classification Sherloc (09022015). Collection method: clinical testing. Allele origin: germline.
Comment: In summary, the available evidence is currently insufficient to determine the role of this variant in disease. Therefore, it has been classified as a Variant of Uncertain Significance. Algorithms developed to predict the effect of sequence changes on RNA splicing suggest that this variant may create or strengthen a splice site, but this prediction has not been confirmed by published transcriptional studies. Algorithms developed to predict the effect of missense changes on protein structure and function output the following: SIFT: "Tolerated"; PolyPhen-2: "Possibly Damaging"; Align-GVGD: "Class C0". The glutamic acid amino acid residue is found in multiple mammalian species, suggesting that this missense change does not adversely affect protein function. These predictions have not been confirmed by published functional studies and their clinical significance is uncertain. This variant has not been reported in the literature in individuals with FANCA-related conditions. This variant is not present in population databases (ExAC no frequency). This sequence change replaces aspartic acid with glutamic acid at codon 279 of the FANCA protein (p.Asp279Glu). The aspartic acid residue is highly conserved and there is a small physicochemical difference between aspartic acid and glutamic acid.